The following is an entry in ClinVar:

ClinVar aggregate classification (germline): Uncertain significance (1 of 4 stars; one submission).

Allele frequency attached by ClinVar (database versions not stated): gnomAD exomes below 0.00001; TOPMed 0.00002.
gnomAD v4.1: 3 of 1,465,492 alleles (0.0002%); highest among the groups gnomAD compares: Non-Finnish European, 0.00018%; no homozygotes.

Submission:

Labcorp Genetics (formerly Invitae), Labcorp
Classification: Uncertain significance. Last evaluated: 2022-07-21. Review status: criteria provided, single submitter. Criteria: Invitae Variant Classification Sherloc (09022015). Collection method: clinical testing. Allele origin: germline.
Comment: In summary, the available evidence is currently insufficient to determine the role of this variant in disease. Therefore, it has been classified as a Variant of Uncertain Significance. Algorithms developed to predict the effect of missense changes on protein structure and function (SIFT, PolyPhen-2, Align-GVGD) all suggest that this variant is likely to be tolerated. This variant has not been reported in the literature in individuals affected with NPR3-related conditions. This variant is not present in population databases (gnomAD no frequency). This sequence change replaces glycine, which is neutral and non-polar, with aspartic acid, which is acidic and polar, at codon 34 of the NPR3 protein (p.Gly34Asp).

NM_001204375.2(NPR3):c.101G>A (p.Gly34Asp)

Genes: NPR3 (natriuretic peptide receptor 3; plus strand), LOC123493284 (Sharpr-MPRA regulatory region 158; plus strand). Cytogenetic location: 5p13.3.
Variant type: single nucleotide variant.
Coding change: c.101G>A on transcript NM_001204375.2 (MANE Select); coding-DNA position 101, G replaced by A.
Protein change: p.Gly34Asp; replaces glycine 34 with aspartic acid.
Molecular consequence: missense variant. On other transcripts: intron variant (4).
Genome position (GRCh38, 1-based): chr5:32,711,877, G>A. VCF-style: chr5-32711877-G-A. GRCh37 (hg19) VCF-style: chr5-32711983-G-A.
Other names: c.101G>A, p.Gly34Asp (NM_000908.4); c.50-12821G>A (NM_001364458.2); c.121+1094G>A (NM_001363652.2, NM_001204376.2, NM_001364460.2); short protein forms G34D.
Identifiers: ClinVar variation 1939401 (VCV001939401.5), dbSNP rs1738259169, ClinGen allele CA359466178.